The following is an entry in ClinVar:

ClinVar aggregate classification (germline): Pathogenic (1 of 4 stars; one submission).

Conditions:
Glycogen storage disease, type II (IOPD). Also called: Pompe Disease; CARDIOMEGALIA GLYCOGENICA DIFFUSA; GLYCOGENOSIS, GENERALIZED, CARDIAC FORM; GSD II; POMPE DISEASE, INFANTILE-ONSET; GLYCOGEN STORAGE DISEASE II, INFANTILE-ONSET. Identifiers: Orphanet 365, MedGen C0017921, MONDO:0009290, OMIM 232300.

Submission:

Genomenon, Inc
Classification: Pathogenic for Glycogen storage disease, type II. Last evaluated: 2026-07-01. Review status: criteria provided, single submitter. Criteria: Genomenon Sequence Variant Interpretation Standards - Updated. Collection method: curation. Allele origin: germline. Affected: yes.
Comment: GAA p.Ser265IlefsTer3 (c.794del) is a frameshift variant that is predicted to introduce a premature termination codon and result in a truncated or absent protein product. This variant has been observed in at least one proband with a GAA-related disorder (PMID:31545528;29653542;27927596;20033296). It is absent or not present at a significant frequency in gnomAD. In conclusion, we classify GAA p.Ser265IlefsTer3 (c.794del) as a pathogenic variant.

Literature cited by the submitters: PubMed 31545528; PubMed 29653542; PubMed 27927596; PubMed 20033296.

NM_000152.5(GAA):c.794del (p.Ser265fs)

Gene: GAA (alpha glucosidase; plus strand). Cytogenetic location: 17q25.3.
Variant type: Deletion.
Coding change: c.794del on transcript NM_000152.5 (MANE Select); coding-DNA position 794, one base deleted (G; older notation c.794delG).
Protein change: p.Ser265fs; shifts the reading frame from serine 265.
Molecular consequence: frameshift variant.
Genome position (GRCh38, 1-based): chr17:80,107,658, G deleted. VCF-style (leftmost placement, unchanged base first): chr17-80107657-AG-A. GRCh37 (hg19) VCF-style: chr17-78081456-AG-A.
Other names: c.794del, p.Ser265fs (NM_001079803.3, NM_001079804.3, NM_001406741.1 and 1 more transcripts); short protein forms S265fs.
Identifiers: ClinVar variation 4876678 (VCV004876678.1).
Genomic context (GRCh38, chr17:80,107,657, plus strand): 5'-TTCCTTCAGCTGTCCACCTCGCTGCCCTCGCAGTATATCACAGGCCTCGCCGAGCACCTC[AG>A]TCCCCTGATGCTCAGCACCAGCTGGACCAGGATCACCCTGTGGAACCGGGACCTTGCGCC-3'